The following is an entry in ClinVar:

ClinVar aggregate classification (germline): Uncertain significance (1 of 4 stars; one submission).

Conditions:
Ehlers-Danlos syndrome, classic type, 1 (EDSCL1). Also called: EDS I; EHLERS-DANLOS SYNDROME, GRAVIS TYPE; EHLERS-DANLOS SYNDROME, SEVERE CLASSIC TYPE; Ehlers-Danlos syndrome, type 1; Ehlers-Danlos Syndrome, Classic Type, COL5A1-Related. Identifiers: MedGen C0268335, MONDO:0019567, OMIM 130000.

Submission:

Labcorp Genetics (formerly Invitae), Labcorp
Classification: Uncertain significance for Ehlers-Danlos syndrome, classic type, 1. Last evaluated: 2024-01-31. Review status: criteria provided, single submitter. Criteria: Invitae Variant Classification Sherloc (09022015). Collection method: clinical testing. Allele origin: germline.
Comment: This sequence change replaces proline, which is neutral and non-polar, with threonine, which is neutral and polar, at codon 811 of the COL5A2 protein (p.Pro811Thr). This variant is not present in population databases (gnomAD no frequency). This variant has not been reported in the literature in individuals affected with COL5A2-related conditions. Advanced modeling of protein sequence and biophysical properties (such as structural, functional, and spatial information, amino acid conservation, physicochemical variation, residue mobility, and thermodynamic stability) performed at Invitae indicates that this missense variant is not expected to disrupt COL5A2 protein function with a negative predictive value of 80%. In summary, the available evidence is currently insufficient to determine the role of this variant in disease. Therefore, it has been classified as a Variant of Uncertain Significance.

NM_000393.5(COL5A2):c.2431C>A (p.Pro811Thr)

Gene: COL5A2 (collagen type V alpha 2 chain; minus strand). Cytogenetic location: 2q32.2.
Variant type: single nucleotide variant.
Coding change: c.2431C>A on transcript NM_000393.5 (MANE Select); coding-DNA position 2431, C replaced by A.
Protein change: p.Pro811Thr; replaces proline 811 with threonine.
Molecular consequence: missense variant.
Genome position (GRCh38, 1-based): chr2:189,054,173, G>T on the plus strand (C>A on the coding strand, the complement: COL5A2 is on the minus strand). VCF-style: chr2-189054173-G-T. GRCh37 (hg19) VCF-style: chr2-189918899-G-T.
Other names: short protein forms P811T.
Identifiers: ClinVar variation 3003558 (VCV003003558.3), dbSNP rs2469266931, ClinGen allele CA349872498.